The following is an entry in ClinVar:

NM_001253697.2(ERBIN):c.3707C>G (p.Ser1236Ter)

Gene: ERBIN (erbb2 interacting protein; plus strand). Cytogenetic location: 5q12.3.
Variant type: single nucleotide variant.
Coding change: c.3707C>G on transcript NM_001253697.2 (MANE Select); coding-DNA position 3707, C replaced by G.
Protein change: p.Ser1236Ter; replaces serine 1236 with a stop codon.
Molecular consequence: nonsense. On other transcripts: intron variant (5).
Genome position (GRCh38, 1-based): chr5:66,072,242, C>G. VCF-style: chr5-66072242-C-G. GRCh37 (hg19) VCF-style: chr5-65368070-C-G.
Other names: c.3778-2782C>G (NM_001253699.2); c.3634-2782C>G (NM_018695.4, NM_001253698.2); c.3634-4074C>G (NM_001006600.3); c.3622-2782C>G (NM_001253701.2); short protein forms S1236*.
Identifiers: ClinVar variation 1418628 (VCV001418628.6), dbSNP rs1471706849, ClinGen allele CA359870769.
Genomic context (GRCh38, chr5:66,072,242, plus strand): 5'-CATCCAGTTCAGGAGATCCTTGTCAAGATGGTATATTCATTTCAGGACAGCAGAACTACT[C>G]ATCAGCCACACTTAGTCACAAAGATGTTCCTCCAGACAGCTTGATGAAAGTGGGTGCTCG-3'

ClinVar aggregate classification (germline): Uncertain significance (1 of 4 stars; one submission).

Allele frequency attached by ClinVar (database versions not stated): TOPMed below 0.00001; gnomAD 0.00001; gnomAD exomes 0.00001.
gnomAD v4.1: 17 of 1,550,306 alleles (0.0011%); highest among the groups gnomAD compares: Non-Finnish European, 0.0015%; no homozygotes.

Submission:

Labcorp Genetics (formerly Invitae), Labcorp
Classification: Uncertain significance. Last evaluated: 2023-08-01. Review status: criteria provided, single submitter. Criteria: Invitae Variant Classification Sherloc (09022015). Collection method: clinical testing. Allele origin: germline.
Comment: This variant is present in population databases (no rsID available, gnomAD 0.003%). This sequence change creates a premature translational stop signal (p.Ser1236*) in the ERBIN gene. It is expected to result in an absent or disrupted protein product. However, the current clinical and genetic evidence is not sufficient to establish whether loss-of-function variants in ERBIN cause disease. This variant has not been reported in the literature in individuals affected with ERBIN-related conditions. ClinVar contains an entry for this variant (Variation ID: 1418628). In summary, the available evidence is currently insufficient to determine the role of this variant in disease. Therefore, it has been classified as a Variant of Uncertain Significance.